The following is an entry in ClinVar:

NM_182914.3(SYNE2):c.16742C>T (p.Thr5581Met)

Gene: SYNE2 (spectrin repeat containing nuclear envelope protein 2; plus strand). Cytogenetic location: 14q23.2.
Variant type: single nucleotide variant.
Coding change: c.16742C>T on transcript NM_182914.3 (MANE Select); coding-DNA position 16742, C replaced by T.
Protein change: p.Thr5581Met; replaces threonine 5581 with methionine.
Molecular consequence: missense variant.
Genome position (GRCh38, 1-based): chr14:64,167,369, C>T. VCF-style: chr14-64167369-C-T. GRCh37 (hg19) VCF-style: chr14-64634087-C-T.
Other names: c.16742C>T (NM_182914.2); c.16742C>T, p.Thr5581Met (NM_015180.6); short protein forms T5581M.
Identifiers: ClinVar variation 2039362 (VCV002039362.5), dbSNP rs756879045, ClinGen allele CA7223474.

ClinVar aggregate classification (germline): Uncertain significance. Review status: criteria provided, multiple submitters, no conflicts (2 of 4 stars). 2 submissions from 2 submitters: Uncertain significance (2). Last evaluated 2025-07-31.

Conditions:
Emery-Dreifuss muscular dystrophy 5, autosomal dominant (EDMD5). Also called: EMERY-DREIFUSS MUSCULAR DYSTROPHY 5. Identifiers: Orphanet 261, MedGen C2751805, MONDO:0013072, OMIM 612999.

Allele frequency attached by ClinVar (database versions not stated): gnomAD exomes 0.00003; ExAC 0.00004.
gnomAD v4.1: 42 of 1,614,078 alleles (0.0026%); highest among the groups gnomAD compares: Admixed American, 0.023%; no homozygotes.

Submissions (2):

Labcorp Genetics (formerly Invitae), Labcorp
Classification: Uncertain significance for Emery-Dreifuss muscular dystrophy 5, autosomal dominant. Last evaluated: 2025-07-31. Review status: criteria provided, single submitter. Criteria: Invitae Variant Classification Sherloc (09022015). Collection method: clinical testing. Allele origin: germline.
Comment: This sequence change replaces threonine, which is neutral and polar, with methionine, which is neutral and non-polar, at codon 5581 of the SYNE2 protein (p.Thr5581Met). This variant is present in population databases (rs756879045, gnomAD 0.04%), and has an allele count higher than expected for a pathogenic variant. This variant has not been reported in the literature in individuals affected with SYNE2-related conditions. ClinVar contains an entry for this variant (Variation ID: 2039362). An algorithm developed to predict the effect of missense changes on protein structure and function (PolyPhen-2) suggests that this variant is likely to be disruptive. In summary, the available evidence is currently insufficient to determine the role of this variant in disease. Therefore, it has been classified as a Variant of Uncertain Significance.

Ambry Genetics
Classification: Uncertain significance. Last evaluated: 2024-11-26. Review status: criteria provided, single submitter. Criteria: Ambry Variant Classification Scheme 2023. Collection method: clinical testing. Allele origin: germline.